The following is an entry in ClinVar:

NM_057088.3(KRT3):c.1527G>T (p.Glu509Asp)

Genes: KRT3 (keratin 3; minus strand), LOC126861527 (BRD4-independent group 4 enhancer GRCh37_chr12:53184490-53185689; plus strand). Cytogenetic location: 12q13.13.
Variant type: single nucleotide variant.
Coding change: c.1527G>T on transcript NM_057088.3 (MANE Select); coding-DNA position 1527, G replaced by T.
Protein change: p.Glu509Asp; replaces glutamic acid 509 with aspartic acid.
Molecular consequence: missense variant.
Genome position (GRCh38, 1-based): chr12:52,791,214, C>A on the plus strand (G>T on the coding strand, the complement: KRT3 is on the minus strand). VCF-style: chr12-52791214-C-A. GRCh37 (hg19) VCF-style: chr12-53184998-C-A.
Other names: short protein forms E509D.
Identifiers: ClinVar variation 2628033 (VCV002628033.2), dbSNP rs2498757244, ClinGen allele CA384966557.

ClinVar aggregate classification (germline): Likely pathogenic (1 of 4 stars; one submission).

Conditions:
Corneal dystrophy, Meesmann, 2. Identifiers: MedGen C5231495, MONDO:0032904, OMIM 618767.

Submission:

DBGen Ocular Genomics
Classification: Likely pathogenic for Corneal dystrophy, Meesmann, 2. Last evaluated: 2021-01-01. Review status: criteria provided, single submitter. Criteria: ACMG Guidelines, 2015. Collection method: clinical testing. Allele origin: inherited. Inheritance: Autosomal dominant inheritance. Affected: yes.
Comment: Class 4 ACMG Guidelines, 2015 (PMID:25741868)